The following is an entry in ClinVar:

NM_000321.3(RB1):c.2181A>C (p.Ala727=)

Gene: RB1 (RB transcriptional corepressor 1; plus strand). Cytogenetic location: 13q14.2.
Variant type: single nucleotide variant.
Coding change: c.2181A>C on transcript NM_000321.3 (MANE Select); coding-DNA position 2181, A replaced by C.
Protein change: p.Ala727=; no amino-acid change (alanine 727 retained).
Molecular consequence: synonymous variant.
Genome position (GRCh38, 1-based): chr13:48,463,805, A>C. VCF-style: chr13-48463805-A-C. GRCh37 (hg19) VCF-style: chr13-49037941-A-C.
Other names: c.2181A>C, p.Ala727= (NM_001407165.1).
Identifiers: ClinVar variation 2885023 (VCV002885023.4), dbSNP rs1180227340, ClinGen allele CA483559177.
Genomic context (GRCh38, chr13:48,463,805, plus strand): 5'-CATGTATGGCATATGCAAAGTGAAGAATATAGACCTTAAATTCAAAATCATTGTAACAGC[A>C]TACAAGGATCTTCCTCATGCTGTTCAGGAGGTAGGTAATTTTCCATAGTAAGTTTTTTTG-3'
Protein context (NP_000312.2, residues 717-737): IDLKFKIIVT[Ala727=]YKDLPHAVQE

ClinVar aggregate classification (germline): Benign/Likely benign. Review status: criteria provided, multiple submitters, no conflicts (2 of 4 stars). 2 submissions from 2 submitters: Benign (1); Likely benign (1). Last evaluated 2026-06-25.

Conditions:
Retinoblastoma (RB1). Also called: RETINOBLASTOMA, SOMATIC. Identifiers: Orphanet 790, MedGen C0035335, MeSH D012175, MONDO:0008380, OMIM 180200, HP:0009919. Disease mechanism: loss of function. Inheritance: Both sporadic and heritable forms are tested..

Allele frequency attached by ClinVar (database versions not stated): gnomAD exomes below 0.00001.
gnomAD v4.1: 1 of 1,607,312 alleles (0.000062%); no homozygotes.

Submissions (2):

Myriad Genetics, Inc.
Classification: Benign for Retinoblastoma. Last evaluated: 2026-06-25. Review status: criteria provided, single submitter. Criteria: Myriad Autosomal Dominant, Autosomal Recessive and X-Linked Classification Criteria (2023). Collection method: clinical testing. Allele origin: unknown.
Comment: This variant is considered benign. This variant is a silent/synonymous amino acid change and it is not expected to impact splicing.

Labcorp Genetics (formerly Invitae), Labcorp
Classification: Likely benign for Retinoblastoma. Last evaluated: 2023-07-18. Review status: criteria provided, single submitter. Criteria: Invitae Variant Classification Sherloc (09022015). Collection method: clinical testing. Allele origin: germline.